The following is an entry in ClinVar:

ClinVar aggregate classification (germline): Conflicting classifications of pathogenicity. Review status: criteria provided, conflicting classifications (1 of 4 stars). 4 submissions from 4 submitters: Uncertain significance (2); Likely benign (1). 1 of the submissions does not count toward it. Last evaluated 2023-11-04.

Conditions:
Hereditary cancer-predisposing syndrome. Also called: Hereditary Cancer Syndrome; Hereditary neoplastic syndrome; Neoplastic Syndromes, Hereditary; Tumor predisposition. Identifiers: Orphanet 140162, MedGen C0027672, MeSH D009386, MONDO:0015356.
Breast-ovarian cancer, familial, susceptibility to, 1 (BROVCA1). Also called: BRCA1 Hereditary Breast and Ovarian Cancer; OVARIAN CANCER, SUSCEPTIBILITY TO. Identifiers: Orphanet 145, MedGen C2676676, MONDO:0011450, OMIM 604370. Disease mechanism: loss of function.
Hereditary breast ovarian cancer syndrome. Also called: BRCA1- and BRCA2-Associated Hereditary Breast and Ovarian Cancer; Hereditary breast and ovarian cancer syndrome; Hereditary breast and ovarian cancer syndrome (HBOC); Breast and ovarian cancer; Hereditary breast and/or ovarian cancer syndrome; Hereditary breast and ovarian cancer. Identifiers: Orphanet 145, MedGen C0677776, MeSH D061325, MONDO:0003582. Disease mechanism: loss of function.

gnomAD v4.1: 1 of 1,614,112 alleles (0.000062%); highest among the groups gnomAD compares: Non-Finnish European, 0.000085%; no homozygotes.

Submissions (4):

Labcorp Genetics (formerly Invitae), Labcorp
Classification: Uncertain significance for Hereditary breast ovarian cancer syndrome. Last evaluated: 2023-11-04. Review status: criteria provided, single submitter. Criteria: Invitae Variant Classification Sherloc (09022015). Collection method: clinical testing. Allele origin: germline.
Comment: This sequence change replaces proline, which is neutral and non-polar, with serine, which is neutral and polar, at codon 1430 of the BRCA1 protein (p.Pro1430Ser). This variant is not present in population databases (gnomAD no frequency). This variant has not been reported in the literature in individuals affected with BRCA1-related conditions. ClinVar contains an entry for this variant (Variation ID: 55162). Advanced modeling of protein sequence and biophysical properties (such as structural, functional, and spatial information, amino acid conservation, physicochemical variation, residue mobility, and thermodynamic stability) performed at Invitae indicates that this missense variant is not expected to disrupt BRCA1 protein function with a negative predictive value of 95%. Experimental studies have shown that this missense change does not substantially affect BRCA1 function (PMID: 28781887, 30765603). In summary, the available evidence is currently insufficient to determine the role of this variant in disease. Therefore, it has been classified as a Variant of Uncertain Significance.

Ambry Genetics
Classification: Likely benign for Hereditary cancer-predisposing syndrome. Last evaluated: 2021-01-21. Review status: criteria provided, single submitter. Criteria: Ambry Variant Classification Scheme 2023. Collection method: clinical testing. Allele origin: germline.

Women's Health and Genetics/Laboratory Corporation of America, LabCorp
Classification: Uncertain significance. Last evaluated: 2020-12-09. Review status: criteria provided, single submitter. Criteria: LabCorp Variant Classification Summary - May 2015. Collection method: clinical testing. Allele origin: germline.
Comment: Variant summary: BRCA1 c.4288C>T (p.Pro1430Ser) results in a non-conservative amino acid change in the encoded protein sequence. Four of five in-silico tools predict a benign effect of the variant on protein function. The variant was absent in 251434 control chromosomes (gnomAD). The available data on variant occurrences in the general population are insufficient to allow any conclusion about variant significance. c.4288C>T has been reported in the literature in individuals affected with Hereditary Breast And Ovarian Cancer Syndrome (e.g. Pavlicek_2004, Parsons_2019). These reports do not provide unequivocal conclusions about association of the variant with Hereditary Breast And Ovarian Cancer Syndrome. Several publications report experimental evidence evaluating an impact on protein function. These studies indicated that the variant has no significant damaging effects on transciptional activity (e.g. Woods_2016, Fernandes_2019). No other clinical diagnostic laboratories have submitted clinical-significance assessments for this variant to ClinVar after 2014. Based on the evidence outlined above, the variant was classified as VUS- possibly benign.

Breast Cancer Information Core (BIC) (BRCA1)
Classification: Uncertain significance for Breast-ovarian cancer, familial 1. Last evaluated: 2004-02-20. Review status: no assertion criteria provided. Collection method: clinical testing. Allele origin: germline. Affected: yes. Observed: 1 variant allele. Not counted in ClinVar's aggregate classification.

Literature cited by the submitters: PubMed 28781887 (cited by 3 submitters); PubMed 30765603 (cited by Labcorp Genetics (formerly Invitae), Labcorp and Women's Health and Genetics/Laboratory Corporation of America, LabCorp); PubMed 15385441 (cited by Women's Health and Genetics/Laboratory Corporation of America, LabCorp); PubMed 23704879 (cited by Women's Health and Genetics/Laboratory Corporation of America, LabCorp); PubMed 31131967 (cited by Women's Health and Genetics/Laboratory Corporation of America, LabCorp); PubMed 31112341 (cited by Women's Health and Genetics/Laboratory Corporation of America, LabCorp); PubMed 31294896 (cited by Women's Health and Genetics/Laboratory Corporation of America, LabCorp).

NM_007294.4(BRCA1):c.4288C>T (p.Pro1430Ser)

Gene: BRCA1 (BRCA1 DNA repair associated; minus strand). Cytogenetic location: 17q21.31.
Variant type: single nucleotide variant.
Coding change: c.4288C>T on transcript NM_007294.4 (MANE Select); coding-DNA position 4288, C replaced by T.
Protein change: p.Pro1430Ser; replaces proline 1430 with serine.
Molecular consequence: missense variant. On other transcripts: non-coding transcript variant (1).
Genome position (GRCh38, 1-based): chr17:43,082,473, G>A on the plus strand (C>T on the coding strand, the complement: BRCA1 is on the minus strand). VCF-style: chr17-43082473-G-A. GRCh37 (hg19) VCF-style: chr17-41234490-G-A.
Other names: c.4285C>T, p.Pro1429Ser (NM_001407610.1, NM_001407611.1, NM_001407612.1 and 21 more transcripts); c.4288C>T, p.Pro1430Ser (NM_001407616.1, NM_001407617.1, NM_001407618.1 and 23 more transcripts); c.4162C>T, p.Pro1388Ser (NM_001407649.1, NM_001407670.1, NM_001407671.1 and 12 more transcripts); c.4210C>T, p.Pro1404Ser (NM_001407653.1, NM_001407654.1, NM_001407655.1 and 2 more transcripts); c.4207C>T, p.Pro1403Ser (NM_001407656.1, NM_001407661.1, NM_001407662.1 and 1 more transcripts); c.4204C>T, p.Pro1402Ser (NM_001407659.1, NM_001407660.1); c.4165C>T, p.Pro1389Ser (NM_001407677.1, NM_001407678.1, NM_001407679.1 and 13 more transcripts); c.4144C>T, p.Pro1382Ser (NM_001407838.1, NM_001407839.1, NM_001407841.1 and 23 more transcripts); and 51 more; short protein forms P1430S, P327S, P1383S, P1134S, P1340S, P1360S, P1381S, P1402S.
Identifiers: ClinVar variation 55162 (VCV000055162.10), dbSNP rs80357466, ClinGen allele CA002750.
Genomic context (GRCh38, chr17:43,082,473, plus strand): 5'-ATGTGCTTTGTTCTGGATTTCGCAGGTCCTCAAGGGCAGAAGAGTCACTTATGATGGAAG[G>A]GTAGCTGTTAGAAGGCTGGCTCCCATGCTGTTCTAACACAGCTTCTAGTTCAGCCATTTC-3'
Protein context (NP_009225.1, residues 1420-1440): QHGSQPSNSY[Pro1430Ser]SIISDSSALE